The following is an entry in ClinVar:

ClinVar aggregate classification (germline): Benign. Review status: criteria provided, multiple submitters, no conflicts (2 of 4 stars). 2 submissions from 2 submitters: Benign (2). Last evaluated 2018-06-14.

Allele frequency attached by ClinVar (database versions not stated): 1000 Genomes Project 30x 0.31012; 1000 Genomes Project 0.31350; TOPMed 0.31522; gnomAD 0.34672.

Submissions (2):

GeneDx
Classification: Benign. Last evaluated: 2018-06-14. Review status: criteria provided, single submitter. Criteria: GeneDx Variant Classification (06012015). Collection method: clinical testing. Allele origin: germline. Affected: yes.
Comment: This variant is considered likely benign or benign based on one or more of the following criteria: it is a conservative change, it occurs at a poorly conserved position in the protein, it is predicted to be benign by multiple in silico algorithms, and/or has population frequency not consistent with disease.

Breakthrough Genomics
Classification: Benign. Review status: criteria provided, single submitter. Criteria: ACMG Guidelines, 2015. Collection method: not provided. Allele origin: germline. Inheritance: Autosomal dominant inheritance. Affected: yes.

NM_001958.5(EEF1A2):c.1265-97A>G

Gene: EEF1A2 (eukaryotic translation elongation factor 1 alpha 2; minus strand). Cytogenetic location: 20q13.33.
Variant type: single nucleotide variant.
Coding change: c.1265-97A>G on transcript NM_001958.5 (MANE Select); 97 bases into the intron before coding-DNA position 1265, A replaced by G.
Molecular consequence: intron variant.
Genome position (GRCh38, 1-based): chr20:63,488,522, T>C on the plus strand (A>G on the coding strand, the complement: EEF1A2 is on the minus strand). VCF-style: chr20-63488522-T-C. GRCh37 (hg19) VCF-style: chr20-62119875-T-C.
Identifiers: ClinVar variation 680018 (VCV000680018.2), dbSNP rs7265428, ClinGen allele CA317435998.